The following is an entry in ClinVar:

NM_000497.4(CYP11B1):c.96del (p.Arg33fs)

Gene: CYP11B1 (cytochrome P450 family 11 subfamily B member 1; minus strand). Cytogenetic location: 8q24.3.
Variant type: Deletion.
Coding change: c.96del on transcript NM_000497.4 (MANE Select); coding-DNA position 96, one base deleted (C; older notation c.96delC).
Protein change: p.Arg33fs; shifts the reading frame from arginine 33.
Molecular consequence: frameshift variant.
Genome position (GRCh38, 1-based): chr8:142,879,718, G deleted on the plus strand (C on the coding strand, the reverse complement: CYP11B1 is on the minus strand); the first of 4 consecutive G bases (chr8:142,879,718-142,879,721); deleting any one gives the same sequence. VCF-style (leftmost placement, unchanged base first): chr8-142879717-TG-T. GRCh37 (hg19) VCF-style: chr8-143961133-TG-T.
Other names: c.96del, p.Arg33fs (NM_001026213.1); short protein forms R33fs.
Identifiers: ClinVar variation 804732 (VCV000804732.1), dbSNP rs768007725, ClinGen allele CA4905713.

ClinVar aggregate classification (germline): Likely pathogenic (1 of 4 stars; one submission).

Submission:

Athena Diagnostics
Classification: Likely pathogenic. Last evaluated: 2019-06-10. Review status: criteria provided, single submitter. Criteria: Athena Diagnostics Criteria. Collection method: clinical testing. Allele origin: germline.
Comment: The variant results in a shift of the reading frame, and is therefore predicted to result in the loss of a functional protein. The best available variant frequency is uninformative because there are too few occurrences in population data.

Literature cited by the submitters: PubMed 8506298.